The following is an entry in ClinVar:

ClinVar aggregate classification (germline): Uncertain significance (1 of 4 stars; one submission).

Conditions:
Hereditary cancer-predisposing syndrome. Also called: Neoplastic Syndromes, Hereditary; Tumor predisposition; Hereditary Cancer Syndrome; Hereditary neoplastic syndrome. Identifiers: Orphanet 140162, MedGen C0027672, MeSH D009386, MONDO:0015356.

Submission:

Ambry Genetics
Classification: Uncertain significance for Hereditary cancer-predisposing syndrome. Last evaluated: 2026-04-05. Review status: criteria provided, single submitter. Criteria: Ambry Variant Classification Scheme 2023. Collection method: clinical testing. Allele origin: germline.
Comment: The p.L681I variant (also known as c.2041T>A), located in coding exon 13 of the CDH1 gene, results from a T to A substitution at nucleotide position 2041. The leucine at codon 681 is replaced by isoleucine, an amino acid with highly similar properties. This amino acid position is conserved. In addition, this alteration is predicted to be tolerated by in silico analysis. Based on the available evidence, the clinical significance of this variant remains unclear.

NM_004360.5(CDH1):c.2041T>A (p.Leu681Ile)

Gene: CDH1 (cadherin 1; plus strand). Cytogenetic location: 16q22.1.
Variant type: single nucleotide variant.
Coding change: c.2041T>A on transcript NM_004360.5 (MANE Select); coding-DNA position 2041, T replaced by A.
Protein change: p.Leu681Ile; replaces leucine 681 with isoleucine.
Molecular consequence: missense variant.
Genome position (GRCh38, 1-based): chr16:68,823,503, T>A. VCF-style: chr16-68823503-T-A. GRCh37 (hg19) VCF-style: chr16-68857406-T-A.
Other names: c.1858T>A, p.Leu620Ile (NM_001317184.2); c.493T>A, p.Leu165Ile (NM_001317185.2); c.76T>A, p.Leu26Ile (NM_001317186.2); short protein forms L165I, L26I, L620I, L681I.
Identifiers: ClinVar variation 4868394 (VCV004868394.1).
Genomic context (GRCh38, chr16:68,823,503, plus strand): 5'-GGTGACTACAAAATCAATCTCAAGCTCATGGATAACCAGAATAAAGACCAAGTGACCACC[T>A]TAGAGGTCAGCGTGTGTGACTGTGAAGGGGCCGCTGGCGTCTGTAGGAAGGCACAGCCTG-3'
Protein context (NP_004351.1, residues 671-691): DNQNKDQVTT[Leu681Ile]EVSVCDCEGA